The following is an entry in ClinVar:

ClinVar aggregate classification (germline): Pathogenic/Likely pathogenic. Review status: criteria provided, multiple submitters, no conflicts (2 of 4 stars). 2 submissions from 2 submitters: Pathogenic (1); Likely pathogenic (1). Last evaluated 2022-10-15.

Conditions:
Axenfeld-Rieger anomaly with partially absent eye muscles, distinctive face, hydrocephaly, and skeletal abnormalities. Also called: IRIS DYSPLASIA WITH OCULAR HYPERTELORISM, PSYCHOMOTOR RETARDATION, AND SENSORINEURAL DEAFNESS; DE HAUWERE SYNDROME. Identifiers: MedGen C1862373, MONDO:0007180, OMIM 109120.
Axenfeld-Rieger syndrome type 3 (RIEG3). Also called: AXENFELD-RIEGER ANOMALY WITH CARDIAC DEFECTS AND/OR SENSORINEURAL HEARING LOSS. Identifiers: Orphanet 782, MedGen C2678503, MONDO:0011233, OMIM 602482.
Anterior segment dysgenesis 3 (ASGD3). Also called: Glaucoma iridogoniodysplasia, familial; IRIDOGONIODYSGENESIS ANOMALY, AUTOSOMAL DOMINANT. Identifiers: Orphanet 91483, MedGen C5975707, MONDO:0024456, OMIM 601631.

Submissions (2):

Genetics Department, University Hospital of Toulouse
Classification: Pathogenic for Axenfeld-Rieger anomaly with partially absent eye muscles, distinctive face, hydrocephaly, and skeletal abnormalities. Last evaluated: 2022-10-15. Review status: criteria provided, single submitter. Criteria: ACMG Guidelines, 2015. Collection method: clinical testing. Allele origin: germline. Affected: yes.
Comment: P (PSVS1, PS2, PM2)

Juno Genomics, Hangzhou Juno Genomics, Inc
Classification: Likely pathogenic for Anterior segment dysgenesis 3; Axenfeld-Rieger syndrome type 3. Review status: criteria provided, single submitter. Criteria: ACMG Guidelines, 2015. Collection method: clinical testing. Allele origin: germline. Affected: yes.
Comment: Null variant in a gene where loss of function (LOF) is a known mechanism of disease.;Absent from controls (or at extremely low frequency if recessive) in Genome Aggregation Database, Exome Sequencing Project, 1000 Genomes Project, or Exome Aggregation Consortium.;Patient's phenotype or family history is highly specific for a disease with a single genetic etiology.

NM_001453.3(FOXC1):c.1040dup (p.Leu348fs)

Gene: FOXC1 (forkhead box C1; plus strand). Cytogenetic location: 6p25.3.
Variant type: Duplication.
Coding change: c.1040dup on transcript NM_001453.3 (MANE Select); coding-DNA position 1040, one base duplicated (C; older notation c.1040dupC).
Protein change: p.Leu348fs; shifts the reading frame from leucine 348.
Molecular consequence: frameshift variant.
Genome position (GRCh38, 1-based): chr6:1,611,485, C duplicated; the last of 5 consecutive C bases (chr6:1,611,481-1,611,485); duplicating any one gives the same sequence. VCF-style (leftmost placement, unchanged base first): chr6-1611480-A-AC. GRCh37 (hg19) VCF-style: chr6-1611715-A-AC.
Other names: c.1040dupC (NM_001453.3); short protein forms L348fs.
Identifiers: ClinVar variation 1710334 (VCV001710334.3), dbSNP rs2480505189, ClinGen allele CA2580074203.